The following is an entry in ClinVar:

ClinVar aggregate classification (germline): Likely pathogenic (1 of 4 stars; one submission).

Conditions:
PRPH2-related disorder. Also called: PRPH2-related disorders; PRPH2-related condition. Identifiers: MedGen CN239395.

Submission:

Labcorp Genetics (formerly Invitae), Labcorp
Classification: Likely pathogenic for PRPH2-related disorder. Last evaluated: 2025-11-07. Review status: criteria provided, single submitter. Criteria: Invitae Variant Classification Sherloc (09022015). Collection method: clinical testing. Allele origin: germline.
Comment: This sequence change replaces proline, which is neutral and non-polar, with histidine, which is basic and polar, at codon 210 of the PRPH2 protein (p.Pro210His). This variant is not present in population databases (gnomAD no frequency). This variant has not been reported in the literature in individuals affected with PRPH2-related conditions. Invitae Evidence Modeling of protein sequence and biophysical properties (such as structural, functional, and spatial information, amino acid conservation, physicochemical variation, residue mobility, and thermodynamic stability) indicates that this missense variant is expected to disrupt PRPH2 protein function with a positive predictive value of 95%. This variant disrupts the p.Pro210 amino acid residue in PRPH2. Other variant(s) that disrupt this residue have been determined to be pathogenic (PMID: 7862413, 11139241, 17504850). This suggests that this residue is clinically significant, and that variants that disrupt this residue are likely to be disease-causing. In summary, the currently available evidence indicates that the variant is pathogenic, but additional data are needed to prove that conclusively. Therefore, this variant has been classified as Likely Pathogenic.

Literature cited by the submitters: PubMed 7862413; PubMed 11139241; PubMed 17504850.

NM_000322.5(PRPH2):c.629C>A (p.Pro210His)

Gene: PRPH2 (peripherin 2; minus strand). Cytogenetic location: 6p21.1.
Variant type: single nucleotide variant.
Coding change: c.629C>A on transcript NM_000322.5 (MANE Select); coding-DNA position 629, C replaced by A.
Protein change: p.Pro210His; replaces proline 210 with histidine.
Molecular consequence: missense variant.
Genome position (GRCh38, 1-based): chr6:42,704,564, G>T on the plus strand (C>A on the coding strand, the complement: PRPH2 is on the minus strand). VCF-style: chr6-42704564-G-T. GRCh37 (hg19) VCF-style: chr6-42672302-G-T.
Other names: short protein forms P210H.
Identifiers: ClinVar variation 4801345 (VCV004801345.1).